The following is an entry in ClinVar:

ClinVar aggregate classification (germline): Conflicting classifications of pathogenicity. Review status: criteria provided, conflicting classifications (1 of 4 stars). 13 submissions from 13 submitters: Uncertain significance (3); Benign (1); Likely benign (8). 1 of the submissions does not count toward it. Last evaluated 2026-01-28.

Conditions:
Hereditary cancer-predisposing syndrome. Also called: Hereditary neoplastic syndrome; Tumor predisposition; Neoplastic Syndromes, Hereditary; Hereditary Cancer Syndrome. Identifiers: Orphanet 140162, MedGen C0027672, MeSH D009386, MONDO:0015356.
Bloom syndrome (BLM). Also called: Bloom-Torre-Machacek syndrome. Identifiers: Orphanet 125, MedGen C0005859, MONDO:0008876, OMIM 210900.

Allele frequency attached by ClinVar (database versions not stated): gnomAD exomes 0.00012 and 0.00030; ExAC 0.00037; gnomAD 0.00090 and 0.00092; TOPMed 0.00105; ESP Exome Variant Server 0.00115; 1000 Genomes Project 30x 0.00172; 1000 Genomes Project 0.00180.
gnomAD v4.1: 308 of 1,613,772 alleles (0.019%); highest among the groups gnomAD compares: African/African-American, 0.38%; no homozygotes.

Submissions (13):

Labcorp Genetics (formerly Invitae), Labcorp
Classification: Benign for Bloom syndrome. Last evaluated: 2026-01-28. Review status: criteria provided, single submitter. Criteria: Invitae Variant Classification Sherloc (09022015). Collection method: clinical testing. Allele origin: germline.

Mendelics
Classification: Likely benign for Bloom syndrome. Last evaluated: 2025-06-23. Review status: criteria provided, single submitter. Criteria: ACMG Guidelines, 2015. Collection method: clinical testing. Allele origin: unknown.
Comment: This variant is considered likely benign or benign based on one or more of the following: it is predicted to be benign by multiple in silico algorithms, and/or has population frequency not consistent with disease, and/or has normal protein function, and/or has lack of segregation with disease, and/or has been detected in co-occurrence with known pathogenic variant, and/or has lack of disease association in case-control studies, and/or is located in a region inconsistent with a known cause of pathogenicity.

Women's Health and Genetics/Laboratory Corporation of America, LabCorp
Classification: Likely benign. Last evaluated: 2025-05-30. Review status: criteria provided, single submitter. Criteria: LabCorp Variant Classification Summary - May 2015. Collection method: clinical testing. Allele origin: germline.
Comment: Variant summary: BLM c.1601A>G (p.Asn534Ser) results in a conservative amino acid change in the encoded protein sequence. Algorithms developed to predict the effect of missense changes on protein structure and function all suggest that this variant is likely to be tolerated. The variant allele was found at a frequency of 0.0003 in 250818 control chromosomes, predominantly at a frequency of 0.0042 within the African or African-American subpopulation in the gnomAD database. The observed variant frequency within African or African-American control individuals in the gnomAD database is approximately 1.2 fold of the estimated maximal expected allele frequency for a pathogenic variant in BLM causing Bloom Syndrome phenotype (0.0035). To our knowledge, no occurrence of c.1601A>G in individuals affected with Bloom Syndrome and no experimental evidence demonstrating its impact on protein function have been reported. ClinVar contains an entry for this variant (Variation ID: 127477). Based on the evidence outlined above, the variant was classified as likely benign.

Molecular Diagnostics Laboratory, Catalan Institute of Oncology
Classification: Uncertain significance for Hereditary cancer-predisposing syndrome. Last evaluated: 2025-03-25. Review status: criteria provided, single submitter. Criteria: ACMG Guidelines, 2015. Collection method: clinical testing. Allele origin: germline.
Comment: BP4_Moderate c.1601A>G located in exon 7 of the BLM gene, is predicted to result in the substitution of asparagine by serine at codon 534, p.(Asn534Ser). The variant allele was found in 89/23594 alleles, with a filter allele frequency of 0.29% at 99% confidence, within the African population in the gnomAD v2.1.1 database (non-cancer data set). The SpliceAI algorithm predicts no significant impact on splicing and the REVEL meta-predictor score for this variant (0.047) suggests that it does not affect the protein function according to Pejaver 2022 thresholds (PMID: 36413997)(BP4_Moderate). This variant has been identified in the ClinVar database (6x likely benign, 1x benign, 4x uncertain significance) and in the LOVD database (1x likely benign). Based on currently available information, the variant c.1601A>G is classified as an uncertain significance variant according ACMG guidelines.

Blueprint Genetics
Classification: Likely benign. Last evaluated: 2024-06-24. Review status: criteria provided, single submitter. Criteria: ACMG Guidelines, 2015. Collection method: clinical testing. Allele origin: germline.

Genomic Medicine Center of Excellence, King Faisal Specialist Hospital and Research Centre
Classification: Uncertain significance for Bloom syndrome. Last evaluated: 2024-03-29. Review status: criteria provided, single submitter. Criteria: ACMG Guidelines, 2015. Collection method: clinical testing. Allele origin: germline.

Quest Diagnostics Nichols Institute San Juan Capistrano
Classification: Likely benign. Last evaluated: 2023-02-01. Review status: criteria provided, single submitter. Criteria: Quest Diagnostics criteria. Collection method: clinical testing. Allele origin: unknown.

GeneDx
Classification: Likely benign. Last evaluated: 2021-08-31. Review status: criteria provided, single submitter. Criteria: GeneDx Variant Classification Process June 2021. Collection method: clinical testing. Allele origin: germline. Affected: yes.
Comment: Has not been previously published as pathogenic or benign to our knowledge

Genetic Services Laboratory, University of Chicago
Classification: Likely benign. Last evaluated: 2021-04-07. Review status: criteria provided, single submitter. Criteria: ACMG Guidelines, 2015. Collection method: clinical testing. Allele origin: germline. Affected: no.

Sema4
Classification: Likely benign for Hereditary cancer-predisposing syndrome. Last evaluated: 2021-03-28. Review status: criteria provided, single submitter. Criteria: Sema4 Curation Guidelines. Collection method: curation. Allele origin: germline.

Ambry Genetics
Classification: Likely benign for Hereditary cancer-predisposing syndrome. Last evaluated: 2018-11-28. Review status: criteria provided, single submitter. Criteria: Ambry Variant Classification Scheme 2023. Collection method: clinical testing. Allele origin: germline.

Eurofins Ntd Llc (ga)
Classification: Uncertain significance. Last evaluated: 2018-03-21. Review status: criteria provided, single submitter. Criteria: EGL ClinVar v180209 classification definitions. Collection method: clinical testing. Allele origin: germline. Observed: 2 variant alleles, 2 heterozygotes.

Natera, Inc.
Classification: Likely benign for Bloom syndrome. Last evaluated: 2017-08-10. Review status: no assertion criteria provided. Collection method: clinical testing. Allele origin: germline. Not counted in ClinVar's aggregate classification.

NM_000057.4(BLM):c.1601A>G (p.Asn534Ser)

Gene: BLM (BLM RecQ like helicase; plus strand). Cytogenetic location: 15q26.1.
Variant type: single nucleotide variant.
Coding change: c.1601A>G on transcript NM_000057.4 (MANE Select); coding-DNA position 1601, A replaced by G.
Protein change: p.Asn534Ser; replaces asparagine 534 with serine.
Molecular consequence: missense variant.
Genome position (GRCh38, 1-based): chr15:90,760,974, A>G. VCF-style: chr15-90760974-A-G. GRCh37 (hg19) VCF-style: chr15-91304204-A-G.
Other names: p.N534S:AAT>AGT; c.1601A>G, p.Asn534Ser (NM_001287246.2, NM_001287247.2); c.476A>G, p.Asn159Ser (NM_001287248.2); short protein forms N534S, N159S.
Identifiers: ClinVar variation 127477 (VCV000127477.75), dbSNP rs35224686, ClinGen allele CA247014.